The following is an entry in ClinVar:

NM_000548.5(TSC2):c.1946+7G>T

Gene: TSC2 (TSC complex subunit 2; plus strand). Cytogenetic location: 16p13.3.
Variant type: single nucleotide variant.
Coding change: c.1946+7G>T on transcript NM_000548.5 (MANE Select); 7 bases into the intron after coding-DNA position 1946, G replaced by T.
Molecular consequence: intron variant.
Genome position (GRCh38, 1-based): chr16:2,071,623, G>T. VCF-style: chr16-2071623-G-T. GRCh37 (hg19) VCF-style: chr16-2121624-G-T.
Other names: c.1946+7G>T (NM_001114382.3, NM_021055.3, NM_001370405.1 and 3 more transcripts); c.1835+7G>T (NM_001318827.2); c.1346+7G>T (NM_001318831.2); c.1799+7G>T (NM_001318829.2); c.1979+7G>T (NM_001318832.2).
Identifiers: ClinVar variation 1598541 (VCV001598541.9), dbSNP rs759576009, ClinGen allele CA2573151550.
Genomic context (GRCh38, chr16:2,071,623, plus strand): 5'-GCCCAACAAGGATGGAGTCGTGCGGTTCAGCCCCTACTGCGTCTGCGACTACATGTACGC[G>T]GGACCTCGCCCACGGCCCATGAGGCTCAGGGCGTCAGAGGCGCTGGGGCTGTGGTGGCGC-3'

ClinVar aggregate classification (germline): Likely benign. Review status: criteria provided, multiple submitters, no conflicts (2 of 4 stars). 2 submissions from 2 submitters: Likely benign (2). Last evaluated 2025-05-16.

Conditions:
Tuberous sclerosis 2 (TSC2). Identifiers: Orphanet 805, MedGen C1860707, MONDO:0013199, OMIM 613254.

Submissions (2):

Myriad Genetics, Inc.
Classification: Likely benign for Tuberous sclerosis 2. Last evaluated: 2025-05-16. Review status: criteria provided, single submitter. Criteria: Myriad Autosomal Dominant, Autosomal Recessive and X-Linked Classification Criteria (2023). Collection method: clinical testing. Allele origin: unknown.
Comment: This variant is considered likely benign. This variant is intronic and is not expected to impact mRNA splicing.

Labcorp Genetics (formerly Invitae), Labcorp
Classification: Likely benign for Tuberous sclerosis 2. Last evaluated: 2022-08-31. Review status: criteria provided, single submitter. Criteria: Invitae Variant Classification Sherloc (09022015). Collection method: clinical testing. Allele origin: germline.